The following is an entry in ClinVar:

NM_000540.3(RYR1):c.13477C>G (p.Pro4493Ala)

Gene: RYR1 (ryanodine receptor 1; plus strand). Cytogenetic location: 19q13.2.
Variant type: single nucleotide variant.
Coding change: c.13477C>G on transcript NM_000540.3 (MANE Select); coding-DNA position 13477, C replaced by G.
Protein change: p.Pro4493Ala; replaces proline 4493 with alanine.
Molecular consequence: missense variant.
Genome position (GRCh38, 1-based): chr19:38,566,950, C>G. VCF-style: chr19-38566950-C-G. GRCh37 (hg19) VCF-style: chr19-39057590-C-G.
Other names: c.13462C>G, p.Pro4488Ala (NM_001042723.2); short protein forms P4493A, P4488A.
Identifiers: ClinVar variation 478185 (VCV000478185.21), dbSNP rs149455643, ClinGen allele CA059891.

ClinVar aggregate classification (germline): Conflicting classifications of pathogenicity. Review status: criteria provided, conflicting classifications (1 of 4 stars). 7 submissions from 7 submitters: Uncertain significance (3); Likely benign (4). Last evaluated 2025-12-23.

Conditions:
RYR1-related disorder. Also called: RYR1-related condition; RYR1-related disorders. Identifiers: MedGen CN239331.
Inborn genetic diseases. Identifiers: MedGen C0950123, MeSH D030342.
Congenital myopathy with fiber type disproportion. Also called: Congenital fiber-type disproportion myopathy; Congenital fiber-type disproportion. Identifiers: Orphanet 2020, MedGen C0546264, MONDO:0009711. Inheritance: all.
Central core myopathy (CMYO1A). Also called: Central core disease; Myopathy, central fibrillar; CONGENITAL MYOPATHY 1A, AUTOSOMAL DOMINANT, WITH SUSCEPTIBILITY TO MALIGNANT HYPERTHERMIA. Identifiers: Orphanet 597, MedGen C5830701, MONDO:0007294, OMIM 117000.
Malignant hyperthermia, susceptibility to, 1 (MHS1). Also called: Anesthesia related hyperthermia; Malignant hyperpyrexia; Fulminating hyperpyrexia; Pharmacogenic myopathy; Malignant hyperthermia suceptibility 1; RYR1-Related Malignant Hyperthermia Susceptibility. Identifiers: Orphanet 423, MedGen C2930980, MONDO:0007783, OMIM 145600.
Congenital multicore myopathy with external ophthalmoplegia (CMYO1B). Also called: Minicore myopathy with external ophthalmoplegia; MULTICORE MYOPATHY; Congenital myopathy 1B, autosomal recessive; Minicore myopathy; MULTIMINICORE DISEASE WITH EXTERNAL OPHTHALMOPLEGIA. Identifiers: Orphanet 598, Orphanet 98905, MedGen C1850674, MONDO:0009712, OMIM 255320, HP:0003789.

Allele frequency attached by ClinVar (database versions not stated): gnomAD 0.00019 and 0.00023; TOPMed 0.00019.
gnomAD v4.1: 441 of 1,606,206 alleles (0.027%); highest among the groups gnomAD compares: Admixed American, 0.11%; no homozygotes.

Submissions (7):

Labcorp Genetics (formerly Invitae), Labcorp
Classification: Likely benign for RYR1-related disorder. Last evaluated: 2025-12-23. Review status: criteria provided, single submitter. Criteria: Invitae Variant Classification Sherloc (09022015). Collection method: clinical testing. Allele origin: germline.

Revvity Omics, Revvity
Classification: Likely benign. Last evaluated: 2025-08-04. Review status: criteria provided, single submitter. Criteria: ACMG Guidelines, 2015. Collection method: clinical testing. Allele origin: germline.

All of Us Research Program, National Institutes of Health
Classification: Likely benign for Malignant hyperthermia, susceptibility to, 1. Last evaluated: 2024-09-27. Review status: criteria provided, single submitter. Criteria: ACMG Guidelines, 2015. Collection method: clinical testing. Allele origin: germline. Inheritance: Autosomal dominant inheritance. Observed: 90 variant alleles, 89 heterozygotes, 1 homozygote.
Comment: This study involves interpretation of variants in research participants for the purpose of population health screening. Participant phenotype was not available at the time of variant classification. Additional details can be found in publication PMID: 35346344, PMCID: PMC8962531

GeneDx
Classification: Uncertain significance. Last evaluated: 2024-07-30. Review status: criteria provided, single submitter. Criteria: GeneDx Variant Classification Process June 2021. Collection method: clinical testing. Allele origin: germline. Affected: yes.
Comment: Reported in a patient with myalgia and muscle biopsy showing multiminicores in published literature; second variant (c.14505 G>A) reported in this individual is classified as likely benign at GeneDx (PMID: 21674524); Identified in the heterozygous state in an individual with suspected RYR1-related myopathy, however, additional clinical information was not provided (PMID: 32236737); In silico analysis indicates that this missense variant does not alter protein structure/function; This variant is associated with the following publications: (PMID: 21674524, 32236737)

Color Diagnostics, LLC DBA Color Health
Classification: Likely benign for Malignant hyperthermia, susceptibility to, 1. Last evaluated: 2022-11-09. Review status: criteria provided, single submitter. Criteria: ACMG Guidelines, 2015. Collection method: clinical testing. Allele origin: germline.

Fulgent Genetics
Classification: Uncertain significance for Central core myopathy; Malignant hyperthermia, susceptibility to, 1; Congenital myopathy 4A, autosomal dominant; Congenital multicore myopathy with external ophthalmoplegia. Last evaluated: 2018-10-31. Review status: criteria provided, single submitter. Criteria: ACMG Guidelines, 2015. Collection method: clinical testing. Allele origin: unknown.

Ambry Genetics
Classification: Uncertain significance for Inborn genetic diseases. Last evaluated: 2016-10-12. Review status: criteria provided, single submitter. Criteria: Ambry exome assertion method (8-5-2015). Collection method: clinical testing. Allele origin: germline. Affected: yes. Observed: 1 variant allele.